The following is an entry in ClinVar:

NM_001037.5(SCN1B):c.448+226G>A

Gene: SCN1B (sodium voltage-gated channel beta subunit 1; plus strand). Cytogenetic location: 19q13.11.
Variant type: single nucleotide variant.
Coding change: c.448+226G>A on transcript NM_001037.5 (MANE Select); 226 bases into the intron after coding-DNA position 448, G replaced by A.
Molecular consequence: intron variant. On other transcripts: missense variant (1).
Genome position (GRCh38, 1-based): chr19:35,033,965, G>A. VCF-style: chr19-35033965-G-A. GRCh37 (hg19) VCF-style: chr19-35524869-G-A.
Other names: c.674G>A, p.Arg225His (NM_199037.5); c.349+226G>A (NM_001321605.2); short protein forms R225H.
Identifiers: ClinVar variation 537732 (VCV000537732.8), dbSNP rs757396314, ClinGen allele CA9372052.
Genomic context (GRCh38, chr19:35,033,965, plus strand): 5'-TCTGGCCTCTGTTTCTCTCCAGCCCACGGAGAGGTCAAAGCATGCCTGTCCCCCACAGAC[G>A]CTCCGGGTACAGAACCCAGCTCTGTCACCTGTGCTGTATGACCTCTGGCAGGTGCCTTCT-3'

ClinVar aggregate classification (germline): Uncertain significance (1 of 4 stars; one submission).

Conditions:
Brugada syndrome 5 (BRGDA5). Identifiers: Orphanet 130, Orphanet 871, MedGen C2748541, MONDO:0013015, OMIM 612838.

Allele frequency attached by ClinVar (database versions not stated): gnomAD 0.00001; TOPMed 0.00001; gnomAD exomes 0.00002; ExAC 0.00005.
gnomAD v4.1: 30 of 1,552,246 alleles (0.0019%); highest among the groups gnomAD compares: Admixed American, 0.0039%; no homozygotes.

Submission:

Labcorp Genetics (formerly Invitae), Labcorp
Classification: Uncertain significance for Brugada syndrome 5. Last evaluated: 2025-12-08. Review status: criteria provided, single submitter. Criteria: Invitae Variant Classification Sherloc (09022015). Collection method: clinical testing. Allele origin: germline.
Comment: This sequence change replaces arginine, which is basic and polar, with histidine, which is basic and polar, at codon 225 of the SCN1B protein (p.Arg225His). This variant is present in population databases (rs757396314, gnomAD 0.01%). This variant has not been reported in the literature in individuals affected with SCN1B-related conditions. ClinVar contains an entry for this variant (Variation ID: 537732). An algorithm developed to predict the effect of missense changes on protein structure and function outputs the following: PolyPhen-2: "Benign". The histidine amino acid residue is found in multiple mammalian species, which suggests that this missense change does not adversely affect protein function. In summary, the available evidence is currently insufficient to determine the role of this variant in disease. Therefore, it has been classified as a Variant of Uncertain Significance.